The following is an entry in ClinVar:

ClinVar aggregate classification (germline): Uncertain significance. Review status: criteria provided, multiple submitters, no conflicts (2 of 4 stars). 2 submissions from 2 submitters: Uncertain significance (2). Last evaluated 2025-06-11.

Conditions:
Hereditary cancer-predisposing syndrome. Also called: Tumor predisposition; Neoplastic Syndromes, Hereditary; Hereditary neoplastic syndrome; Hereditary Cancer Syndrome. Identifiers: Orphanet 140162, MedGen C0027672, MeSH D009386, MONDO:0015356.
Gastrointestinal stromal tumor. Also called: Gastrointestinal stromal tumor, somatic; Gastrointestinal stroma tumor. Identifiers: Orphanet 44890, MedGen C0238198, MeSH D046152, MONDO:0011719, OMIM 606764, HP:0100723.

Allele frequency attached by ClinVar (database versions not stated): gnomAD exomes below 0.00001 and 0.00002; ExAC 0.00001; gnomAD 0.00001.
gnomAD v4.1: 3 of 1,614,084 alleles (0.00019%); highest among the groups gnomAD compares: South Asian, 0.0011%; no homozygotes.

Submissions (2):

Ambry Genetics
Classification: Uncertain significance for Hereditary cancer-predisposing syndrome. Last evaluated: 2025-06-11. Review status: criteria provided, single submitter. Criteria: Ambry Variant Classification Scheme 2023. Collection method: clinical testing. Allele origin: germline.
Comment: The p.R1037K variant (also known as c.3110G>A), located in coding exon 21 of the PDGFRA gene, results from a G to A substitution at nucleotide position 3110. The arginine at codon 1037 is replaced by lysine, an amino acid with highly similar properties. This amino acid position is highly conserved in available vertebrate species. In addition, the in silico prediction for this alteration is inconclusive. Based on the available evidence, the clinical significance of this variant remains unclear.

Labcorp Genetics (formerly Invitae), Labcorp
Classification: Uncertain significance for Gastrointestinal stromal tumor. Last evaluated: 2025-02-12. Review status: criteria provided, single submitter. Criteria: Invitae Variant Classification Sherloc (09022015). Collection method: clinical testing. Allele origin: germline.
Comment: This sequence change replaces arginine, which is basic and polar, with lysine, which is basic and polar, at codon 1037 of the PDGFRA protein (p.Arg1037Lys). This variant is present in population databases (rs747082676, gnomAD 0.003%). This variant has not been reported in the literature in individuals affected with PDGFRA-related conditions. ClinVar contains an entry for this variant (Variation ID: 1053769). Invitae Evidence Modeling of protein sequence and biophysical properties (such as structural, functional, and spatial information, amino acid conservation, physicochemical variation, residue mobility, and thermodynamic stability) indicates that this missense variant is not expected to disrupt PDGFRA protein function with a negative predictive value of 80%. In summary, the available evidence is currently insufficient to determine the role of this variant in disease. Therefore, it has been classified as a Variant of Uncertain Significance.

NM_006206.6(PDGFRA):c.3110G>A (p.Arg1037Lys)

Gene: PDGFRA (platelet derived growth factor receptor alpha; plus strand). Cytogenetic location: 4q12.
Variant type: single nucleotide variant.
Coding change: c.3110G>A on transcript NM_006206.6 (MANE Select); coding-DNA position 3110, G replaced by A.
Protein change: p.Arg1037Lys; replaces arginine 1037 with lysine.
Molecular consequence: missense variant.
Genome position (GRCh38, 1-based): chr4:54,290,542, G>A. VCF-style: chr4-54290542-G-A. GRCh37 (hg19) VCF-style: chr4-55156709-G-A.
Other names: c.3110G>A (NM_006206.4); c.3185G>A, p.Arg1062Lys (NM_001347828.2); c.3110G>A, p.Arg1037Lys (NM_001347829.2); c.3149G>A, p.Arg1050Lys (NM_001347830.2); short protein forms R1037K, R1050K, R1062K.
Identifiers: ClinVar variation 1053769 (VCV001053769.18), dbSNP rs747082676, ClinGen allele CA2923028.